The following is an entry in ClinVar:

ClinVar aggregate classification (germline): Conflicting classifications of pathogenicity. Review status: criteria provided, conflicting classifications (1 of 4 stars). 3 submissions from 3 submitters: Uncertain significance (2); Likely benign (1). Last evaluated 2024-04-29.

Conditions:
Inborn genetic diseases. Identifiers: MedGen C0950123, MeSH D030342.

Allele frequency attached by ClinVar (database versions not stated): gnomAD exomes 0.00002; ExAC 0.00005; gnomAD 0.00009; TOPMed 0.00011.

Submissions (3):

Ambry Genetics
Classification: Likely benign for Inborn genetic diseases. Last evaluated: 2024-04-29. Review status: criteria provided, single submitter. Criteria: Ambry Variant Classification Scheme 2023. Collection method: clinical testing. Allele origin: germline.

Labcorp Genetics (formerly Invitae), Labcorp
Classification: Uncertain significance. Last evaluated: 2024-04-29. Review status: criteria provided, single submitter. Criteria: Invitae Variant Classification Sherloc (09022015). Collection method: clinical testing. Allele origin: germline.
Comment: This sequence change replaces arginine, which is basic and polar, with histidine, which is basic and polar, at codon 389 of the SRCAP protein (p.Arg389His). This variant is present in population databases (rs775539408, gnomAD 0.04%), and has an allele count higher than expected for a pathogenic variant. This variant has not been reported in the literature in individuals affected with SRCAP-related conditions. ClinVar contains an entry for this variant (Variation ID: 2158242). Advanced modeling of protein sequence and biophysical properties (such as structural, functional, and spatial information, amino acid conservation, physicochemical variation, residue mobility, and thermodynamic stability) performed at Invitae indicates that this missense variant is not expected to disrupt SRCAP protein function with a negative predictive value of 80%. In summary, the available evidence is currently insufficient to determine the role of this variant in disease. Therefore, it has been classified as a Variant of Uncertain Significance.

Revvity Omics, Revvity
Classification: Uncertain significance. Last evaluated: 2024-04-15. Review status: criteria provided, single submitter. Criteria: ACMG Guidelines, 2015. Collection method: clinical testing. Allele origin: germline.

NM_006662.3(SRCAP):c.1166G>A (p.Arg389His)

Gene: SRCAP (Snf2 related CREBBP activator protein; plus strand). Cytogenetic location: 16p11.2.
Variant type: single nucleotide variant.
Coding change: c.1166G>A on transcript NM_006662.3 (MANE Select); coding-DNA position 1166, G replaced by A.
Protein change: p.Arg389His; replaces arginine 389 with histidine.
Molecular consequence: missense variant.
Genome position (GRCh38, 1-based): chr16:30,710,785, G>A. VCF-style: chr16-30710785-G-A. GRCh37 (hg19) VCF-style: chr16-30722106-G-A.
Other names: c.1166G>A (NM_006662.2); short protein forms R389H.
Identifiers: ClinVar variation 2158242 (VCV002158242.6), dbSNP rs775539408, ClinGen allele CA8010898.